The following is an entry in ClinVar:

NM_000755.5(CRAT):c.269G>A (p.Arg90Gln)

Gene: CRAT (carnitine O-acetyltransferase; minus strand). Cytogenetic location: 9q34.11.
Variant type: single nucleotide variant.
Coding change: c.269G>A on transcript NM_000755.5 (MANE Select); coding-DNA position 269, G replaced by A.
Protein change: p.Arg90Gln; replaces arginine 90 with glutamine.
Molecular consequence: missense variant. On other transcripts: intron variant (1).
Genome position (GRCh38, 1-based): chr9:129,107,836, C>T on the plus strand (G>A on the coding strand, the complement: CRAT is on the minus strand). VCF-style: chr9-129107836-C-T. GRCh37 (hg19) VCF-style: chr9-131870115-C-T.
Other names: c.206G>A, p.Arg69Gln (NM_001257363.3, NM_001346548.2, NM_004003.4); c.272G>A, p.Arg91Gln (NM_001346546.2); c.269G>A, p.Arg90Gln (NM_001346547.2); c.171+98G>A (NM_001346549.2); c.269G>A (NM_000755.3); short protein forms R69Q, R90Q, R91Q.
Identifiers: ClinVar variation 1473271 (VCV001473271.8), dbSNP rs374627309, ClinGen allele CA5275845.
Genomic context (GRCh38, chr9:129,107,836, plus strand): 5'-AGCCAGCAGCAGGTCACAGTGAGGATGCCCTCACTCACCCAGTTCTCCGTCTTCCTGGCC[C>T]GACGCTCCAGCCCCTTCTGCAGGCGCTCCCCTACACCTCCTGAGGCCTGAAACTCATCCA-3'
Protein context (NP_000746.3, residues 80-100): GERLQKGLER[Arg90Gln]ARKTENWLSE

ClinVar aggregate classification (germline): Uncertain significance. Review status: criteria provided, multiple submitters, no conflicts (2 of 4 stars). 2 submissions from 2 submitters: Uncertain significance (2). Last evaluated 2024-10-16.

Allele frequency attached by ClinVar (database versions not stated): gnomAD 0.00002 and 0.00003; TOPMed 0.00003; ESP Exome Variant Server 0.00008; gnomAD exomes 0.00008; ExAC 0.00010.

Submissions (2):

Labcorp Genetics (formerly Invitae), Labcorp
Classification: Uncertain significance. Last evaluated: 2024-10-16. Review status: criteria provided, single submitter. Criteria: Invitae Variant Classification Sherloc (09022015). Collection method: clinical testing. Allele origin: germline.
Comment: This sequence change replaces arginine, which is basic and polar, with glutamine, which is neutral and polar, at codon 90 of the CRAT protein (p.Arg90Gln). This variant is present in population databases (rs374627309, gnomAD 0.05%). This variant has not been reported in the literature in individuals affected with CRAT-related conditions. ClinVar contains an entry for this variant (Variation ID: 1473271). Invitae Evidence Modeling of protein sequence and biophysical properties (such as structural, functional, and spatial information, amino acid conservation, physicochemical variation, residue mobility, and thermodynamic stability) has been performed for this missense variant. However, the output from this modeling did not meet the statistical confidence thresholds required to predict the impact of this variant on CRAT protein function. In summary, the available evidence is currently insufficient to determine the role of this variant in disease. Therefore, it has been classified as a Variant of Uncertain Significance.

Ambry Genetics
Classification: Uncertain significance. Last evaluated: 2023-11-07. Review status: criteria provided, single submitter. Criteria: Ambry Variant Classification Scheme 2023. Collection method: clinical testing. Allele origin: germline.